The following is an entry in ClinVar:

NM_006922.4(SCN3A):c.895A>G (p.Met299Val)

Gene: SCN3A (sodium voltage-gated channel alpha subunit 3; minus strand). Cytogenetic location: 2q24.3.
Variant type: single nucleotide variant.
Coding change: c.895A>G on transcript NM_006922.4 (MANE Select); coding-DNA position 895, A replaced by G.
Protein change: p.Met299Val; replaces methionine 299 with valine.
Molecular consequence: missense variant.
Genome position (GRCh38, 1-based): chr2:165,162,628, T>C on the plus strand (A>G on the coding strand, the complement: SCN3A is on the minus strand). VCF-style: chr2-165162628-T-C. GRCh37 (hg19) VCF-style: chr2-166019138-T-C.
Other names: c.895A>G, p.Met299Val (NM_001081676.2, NM_001081677.2); short protein forms M299V.
Identifiers: ClinVar variation 3026682 (VCV003026682.22), dbSNP rs2468476474, ClinGen allele CA349239012.

ClinVar aggregate classification (germline): Uncertain significance (1 of 4 stars; one submission).

Submission:

CeGaT Center for Human Genetics Tuebingen
Classification: Uncertain significance. Last evaluated: 2023-12-01. Review status: criteria provided, single submitter. Criteria: CeGaT Center For Human Genetics Tuebingen Variant Classification Criteria Version 2. Collection method: clinical testing. Allele origin: germline. Affected: yes. Observed: 1 variant allele.
Comment: SCN3A: PM2